The following is an entry in ClinVar:

NM_001368894.2(PAX6):c.301A>G (p.Ile101Val)

Gene: PAX6 (paired box 6; minus strand). Cytogenetic location: 11p13.
Variant type: single nucleotide variant.
Coding change: c.301A>G on transcript NM_001368894.2 (MANE Select); coding-DNA position 301, A replaced by G.
Protein change: p.Ile101Val; replaces isoleucine 101 with valine.
Molecular consequence: missense variant. On other transcripts: 5 prime UTR variant (14), non-coding transcript variant (2), intron variant (8).
Genome position (GRCh38, 1-based): chr11:31,801,659, T>C on the plus strand (A>G on the coding strand, the complement: PAX6 is on the minus strand). VCF-style: chr11-31801659-T-C. GRCh37 (hg19) VCF-style: chr11-31823207-T-C.
Other names: c.376A>G, p.Ile126Val (NM_001368919.2, NM_001368918.2); c.334A>G, p.Ile112Val (NM_001368920.2); c.-150A>G (NM_001368929.2, NM_001310161.3, NM_001368899.2 and 8 more transcripts); c.301A>G, p.Ile101Val (NM_001604.6, NM_001258462.3, NM_001258463.2 and 6 more transcripts); c.198+103A>G (NM_001368921.2, NM_001368923.2, NM_001368926.2 and 4 more transcripts); c.156+103A>G (NM_001368928.2); c.259A>G, p.Ile87Val (NM_000280.6, NM_001127612.3, NM_001258464.2 and 10 more transcripts); c.-481A>G (NM_001310160.2, NM_001368902.2, NM_001368905.2); and 2 more; short protein forms I101V, I102V, I112V, I126V, I168V, I87V.
Identifiers: ClinVar variation 4854743 (VCV004854743.1).
Genomic context (GRCh38, chr11:31,801,659, plus strand): 5'-GTAATCTGTCTCGGATTTCCCAAGCAAAGATGGACGGGCACTCCCGCTTATACTGGGCTA[T>C]TTTGCTTACAACTTCTGGAGTCGCTACTCTCGGTTTACTACCACCGATTGCCCTGGGTCT-3'
Protein context (NP_001355823.1, residues 91-111): RVATPEVVSK[Ile101Val]AQYKRECPSI

ClinVar aggregate classification (germline): Uncertain significance (1 of 4 stars; one submission).

Conditions:
Irido-corneo-trabecular dysgenesis (ASGD5). Also called: ANTERIOR SEGMENT DYSGENESIS 5. Identifiers: Orphanet 708, MedGen C0344559, MONDO:0011414, OMIM 604229, HP:0000659.

gnomAD v4.1: 2 of 1,614,166 alleles (0.00012%); highest among the groups gnomAD compares: Non-Finnish European, 0.00017%; no homozygotes.

Submission:

3billion
Classification: Uncertain significance for Irido-corneo-trabecular dysgenesis. Last evaluated: 2026-01-25. Review status: criteria provided, single submitter. Criteria: ACMG Guidelines, 2015. Collection method: clinical testing. Allele origin: germline. Affected: yes.
Comment: The variant is observed at an extremely low frequency in the gnomAD v4.1.0 dataset (total allele frequency: <0.001%). Predicted Consequence/Location: Missense variant In silico tool predictions suggest damaging effect of the variant on gene or gene product [REVEL: 0.72 (>=0.6, sensitivity 0.68 and specificity 0.92); 3Cnet: 0.99 (> 0.75, sensitivity 0.96 and precision 0.92)]. Different missense changes at the same codon (p.Ile101Arg, p.Ile101Lys, p.Ile101Thr) have been reported as pathogenic/likely pathogenic with strong evidence (ClinVar ID: VCV002499918, VCV003928364 /PMID: 12552561, 9147640). Therefore, this variant is classified as VUS according to the recommendation of ACMG/AMP guideline.

Literature cited by the submitters: PubMed 12552561.